The following is an entry in ClinVar:

ClinVar aggregate classification (germline): Uncertain significance (1 of 4 stars; one submission).

Conditions:
3-hydroxyisobutyryl-CoA hydrolase deficiency. Also called: Reduced circulating 3-hydroxyisobutyryl-CoA hydrolase activity; Deficiency of 3-hydroxyisobutyryl CoA hydrolase; HIBCH DEFICIENCY; METHACRYLIC ACID TOXICITY; METHACRYLIC ACIDURIA; VALINE METABOLIC DEFECT. Identifiers: Orphanet 88639, MedGen C0342738, MONDO:0009603, OMIM 250620, HP:6000215.

Allele frequency attached by ClinVar (database versions not stated): gnomAD exomes below 0.00001.
gnomAD v4.1: 1 of 1,613,082 alleles (0.000062%); highest among the groups gnomAD compares: Admixed American, 0.0017%; no homozygotes.

Submission:

Baylor Genetics
Classification: Uncertain significance for 3-hydroxyisobutyryl-CoA hydrolase deficiency. Last evaluated: 2019-03-21. Review status: criteria provided, single submitter. Criteria: ACMG Guidelines, 2015. Collection method: clinical testing. Allele origin: unknown. Affected: yes.
Comment: This variant was determined to be of uncertain significance according to ACMG Guidelines, 2015 [PMID:25741868].

NM_014362.4(HIBCH):c.529G>C (p.Asp177His)

Gene: HIBCH (3-hydroxyisobutyryl-CoA hydrolase; minus strand). Cytogenetic location: 2q32.2.
Variant type: single nucleotide variant.
Coding change: c.529G>C on transcript NM_014362.4 (MANE Select); coding-DNA position 529, G replaced by C.
Protein change: p.Asp177His; replaces aspartic acid 177 with histidine.
Molecular consequence: missense variant.
Genome position (GRCh38, 1-based): chr2:190,252,296, C>G on the plus strand (G>C on the coding strand, the complement: HIBCH is on the minus strand). VCF-style: chr2-190252296-C-G. GRCh37 (hg19) VCF-style: chr2-191117022-C-G.
Other names: c.529G>C, p.Asp177His (NM_198047.3); short protein forms D177H.
Identifiers: ClinVar variation 1031263 (VCV001031263.1), dbSNP rs1315908015, ClinGen allele CA349891082.